The following is an entry in ClinVar:

NM_001283009.2(RTEL1):c.2936G>T (p.Arg979Leu)

Genes: RTEL1 (regulator of telomere elongation helicase 1; plus strand), RTEL1-TNFRSF6B (RTEL1-TNFRSF6B readthrough (NMD candidate); plus strand). Cytogenetic location: 20q13.33.
Variant type: single nucleotide variant.
Coding change: c.2936G>T on transcript NM_001283009.2 (MANE Select); coding-DNA position 2936, G replaced by T.
Protein change: p.Arg979Leu; replaces arginine 979 with leucine.
Molecular consequence: missense variant. On other transcripts: non-coding transcript variant (1).
Genome position (GRCh38, 1-based): chr20:63,693,227, G>T. VCF-style: chr20-63693227-G-T. GRCh37 (hg19) VCF-style: chr20-62324580-G-T.
Other names: c.2267G>T, p.Arg756Leu (NM_001283010.1); c.2936G>T, p.Arg979Leu (NM_016434.4); c.3008G>T, p.Arg1003Leu (NM_032957.5); short protein forms R979L, R756L, R1003L.
Identifiers: ClinVar variation 3948442 (VCV003948442.1).

ClinVar aggregate classification (germline): Uncertain significance (1 of 4 stars; one submission).

Conditions:
Inborn genetic diseases. Identifiers: MedGen C0950123, MeSH D030342.

gnomAD v4.1: 2 of 1,612,078 alleles (0.00012%); highest among the groups gnomAD compares: Admixed American, 0.0017%; no homozygotes.

Submission:

Ambry Genetics
Classification: Uncertain significance for Inborn genetic diseases. Last evaluated: 2025-06-02. Review status: criteria provided, single submitter. Criteria: Ambry Variant Classification Scheme 2023. Collection method: clinical testing. Allele origin: germline.
Comment: The p.R979L variant (also known as c.2936G>T), located in coding exon 29 of the RTEL1 gene, results from a G to T substitution at nucleotide position 2936. The arginine at codon 979 is replaced by leucine, an amino acid with dissimilar properties. This amino acid position is conserved. In addition, this alteration is predicted to be tolerated by in silico analysis. Based on the available evidence, the clinical significance of this variant remains unclear.